The following is an entry in ClinVar:

NM_031448.6(C19orf12):c.371dup (p.Met124fs)

Gene: C19orf12 (chromosome 19 open reading frame 12; minus strand). Cytogenetic location: 19q12.
Variant type: Duplication.
Coding change: c.371dup on transcript NM_031448.6 (MANE Select); coding-DNA position 371, one base duplicated (T; older notation c.371dupT).
Protein change: p.Met124fs; shifts the reading frame from methionine 124.
Molecular consequence: frameshift variant.
Genome position (GRCh38, 1-based): chr19:29,702,767, A duplicated on the plus strand (T on the coding strand, the reverse complement: C19orf12 is on the minus strand). VCF-style (leftmost placement, unchanged base first): chr19-29702766-C-CA. GRCh37 (hg19) VCF-style: chr19-30193673-C-CA.
Other names: p.Met124Ilefs*17; c.371dup, p.Met124fs (NM_001031726.4, NM_001256047.2); c.316dup, p.Cys106fs (NM_001256046.3); c.179dup, p.Met60fs (NM_001282929.1, NM_001282930.3, NM_001282931.3); c.404dupT (NM_001031726.3); short protein forms C106fs, M124fs, M60fs.
Identifiers: ClinVar variation 634443 (VCV000634443.30), dbSNP rs1568326754, ClinGen allele CA913190707.

ClinVar aggregate classification (germline): Pathogenic/Likely pathogenic. Review status: criteria provided, multiple submitters, no conflicts (2 of 4 stars). 7 submissions from 6 submitters: Pathogenic (3); Likely pathogenic (4). Last evaluated 2025-09-29.

Conditions:
Neurodegeneration with brain iron accumulation 4 (NBIA4). Also called: MITOCHONDRIAL PROTEIN-ASSOCIATED NEURODEGENERATION. Identifiers: Orphanet 289560, MedGen C3280371, MONDO:0013674, OMIM 614298. Disease mechanism: loss of function.
Abnormal central motor function. Identifiers: MedGen C4023354, HP:0011442.
Hereditary spastic paraplegia 43. Also called: Spastic paraplegia 43, autosomal recessive. Identifiers: Orphanet 320370, MedGen C2680446, MONDO:0014024, OMIM 615043.

Allele frequency attached by ClinVar (database versions not stated): gnomAD exomes below 0.00001.

Submissions (7):

Department of Molecular Genetics, Istishari Arab Hospital
Classification: Pathogenic for Neurodegeneration with brain iron accumulation 4. Last evaluated: 2025-09-29. Review status: criteria provided, single submitter. Criteria: ACMG Guidelines, 2015. Collection method: clinical testing. Allele origin: germline. Inheritance: Autosomal recessive inheritance. Affected: yes.
Comment: The C19ORF12 variant c.371dup, p.(Met124Ilefs*17) creates a shift in the reading frame at position 124, introducing a premature stop codon 17 amino acids downstream. This is predicted to result in a loss or disruption of normal protein function through protein truncation. The predicted truncated protein may be shortened by more than 10%. This variant is observed at an extremely low frequency in the gnomAD v4.1.0 dataset (total allele frequency: <0.001%) and has previously been reported in the literature as disease-causing in patients with autosomal recessive neurodegeneration with brain iron accumulation (PMID: 23166001). . It is classified as pathogenic (class 1) according to the recommendations of ACMG/AMP/ClinGen SVI guidelines.

3billion
Classification: Pathogenic for Neurodegeneration with brain iron accumulation 4. Last evaluated: 2023-08-18. Review status: criteria provided, single submitter. Criteria: ACMG Guidelines, 2015. Collection method: clinical testing. Allele origin: germline. Affected: yes.
Comment: The variant is not observed in the gnomAD v2.1.1 dataset. Predicted Consequence/Location: Frameshift: predicted to result in a loss or disruption of normal protein function through protein truncation. The predicted truncated protein may be shortened by more than 10%. The variant has been reported at least twice as pathogenic with clinical assertions and evidence for the classification (ClinVar ID: VCV000634443 /PMID: 23166001). Therefore, this variant is classified as Pathogenic according to the recommendation of ACMG/AMP guideline.

GeneDx
Classification: Likely pathogenic. Last evaluated: 2022-06-17. Review status: criteria provided, single submitter. Criteria: GeneDx Variant Classification Process June 2021. Collection method: clinical testing. Allele origin: germline. Affected: yes.
Comment: Frameshift variant predicted to result in protein truncation as the last 18 amino acids are replaced with 16 different amino acids, although loss-of-function variants have not been reported downstream of this position in the protein; Not observed at significant frequency in large population cohorts (gnomAD); This variant is associated with the following publications: (PMID: 23166001)

Kariminejad - Najmabadi Pathology & Genetics Center
Classification: Likely pathogenic for Abnormal central motor function. Last evaluated: 2021-07-10. Review status: criteria provided, single submitter. Criteria: ACMG Guidelines, 2015. Collection method: clinical testing. Allele origin: germline. Affected: yes.

Institute of Human Genetics Munich, TUM University Hospital
Classification: Pathogenic for Neurodegeneration with brain iron accumulation 4. Last evaluated: 2019-07-23. Review status: criteria provided, single submitter. Criteria: Classification criteria August 2017. Collection method: clinical testing. Allele origin: inherited. Inheritance: Autosomal recessive inheritance. Affected: yes. Observed: 1 homozygote.

Genomic Research Center, Shahid Beheshti University of Medical Sciences
Classification: Likely pathogenic for Neurodegeneration with brain iron accumulation 4. Last evaluated: 2019-01-01. Review status: criteria provided, single submitter. Criteria: ACMG Guidelines, 2015. Collection method: clinical testing. Allele origin: inherited. Affected: yes. Observed: 1 variant allele.

Kariminejad - Najmabadi Pathology & Genetics Center
Classification: Likely pathogenic for Hereditary spastic paraplegia 43. Last evaluated: 2017-10-15. Review status: criteria provided, single submitter. Criteria: ACMG Guidelines, 2015. Collection method: clinical testing. Allele origin: germline. Inheritance: Autosomal recessive inheritance. Affected: yes.
Comment: PVS1-moderate, PM2, PP3, PP5

Literature cited by the submitters: PubMed 23166001 (cited by Department of Molecular Genetics, Istishari Arab Hospital and 3billion).